The following is an entry in ClinVar:

NM_015057.5(MYCBP2):c.11896C>G (p.Gln3966Glu)

Gene: MYCBP2 (MYC binding protein 2; minus strand). Cytogenetic location: 13q22.3.
Variant type: single nucleotide variant.
Coding change: c.11896C>G on transcript NM_015057.5 (MANE Select); coding-DNA position 11896, C replaced by G.
Protein change: p.Gln3966Glu; replaces glutamine 3966 with glutamic acid.
Molecular consequence: missense variant.
Genome position (GRCh38, 1-based): chr13:77,070,639, G>C on the plus strand (C>G on the coding strand, the complement: MYCBP2 is on the minus strand). VCF-style: chr13-77070639-G-C. GRCh37 (hg19) VCF-style: chr13-77644774-G-C.
Other names: short protein forms Q3966E.
Identifiers: ClinVar variation 3367463 (VCV003367463.1).

ClinVar aggregate classification (germline): Uncertain significance (1 of 4 stars; one submission).

Submission:

GeneDx
Classification: Uncertain significance. Last evaluated: 2024-02-01. Review status: criteria provided, single submitter. Criteria: GeneDx Variant Classification Process June 2021. Collection method: clinical testing. Allele origin: germline. Affected: yes.
Comment: Not observed at significant frequency in large population cohorts (gnomAD); In silico analysis supports that this missense variant has a deleterious effect on protein structure/function; Has not been previously published as pathogenic or benign to our knowledge